The following is an entry in ClinVar:

NM_177559.3(CSNK2A1):c.1066T>A (p.Ser356Thr)

Gene: CSNK2A1 (casein kinase 2 alpha 1; minus strand). Cytogenetic location: 20p13.
Variant type: single nucleotide variant.
Coding change: c.1066T>A on transcript NM_177559.3 (MANE Select); coding-DNA position 1066, T replaced by A.
Protein change: p.Ser356Thr; replaces serine 356 with threonine.
Molecular consequence: missense variant.
Genome position (GRCh38, 1-based): chr20:484,071, A>T on the plus strand (T>A on the coding strand, the complement: CSNK2A1 is on the minus strand). VCF-style: chr20-484071-A-T. GRCh37 (hg19) VCF-style: chr20-464715-A-T.
Other names: c.1066T>A, p.Ser356Thr (NM_001362770.2, NM_001362771.2, NM_001895.4); c.658T>A, p.Ser220Thr (NM_177560.3); short protein forms S356T, S220T.
Identifiers: ClinVar variation 1033455 (VCV001033455.2), dbSNP rs2018014572, ClinGen allele CA407955495.

ClinVar aggregate classification (germline): Uncertain significance. Review status: criteria provided, multiple submitters, no conflicts (2 of 4 stars). 2 submissions from 2 submitters: Uncertain significance (2). Last evaluated 2022-08-15.

Conditions:
Okur-Chung neurodevelopmental syndrome (OCNDS). Identifiers: Orphanet 689422, MedGen C4310739, MONDO:0014893, OMIM 617062.

Submissions (2):

GeneDx
Classification: Uncertain significance. Last evaluated: 2022-08-15. Review status: criteria provided, single submitter. Criteria: GeneDx Variant Classification Process June 2021. Collection method: clinical testing. Allele origin: germline. Affected: yes.
Comment: Not observed at significant frequency in large population cohorts (gnomAD); In silico analysis supports that this missense variant does not alter protein structure/function; Has not been previously published as pathogenic or benign to our knowledge

Baylor Genetics
Classification: Uncertain significance for Okur-Chung neurodevelopmental syndrome. Last evaluated: 2018-10-12. Review status: criteria provided, single submitter. Criteria: ACMG Guidelines, 2015. Collection method: clinical testing. Allele origin: paternal. Affected: yes.
Comment: This variant was determined to be of uncertain significance according to ACMG Guidelines, 2015 [PMID:25741868].